The following is an entry in ClinVar:

NM_004006.3(DMD):c.1104T>A (p.Ile368=)

Gene: DMD (dystrophin; minus strand). Cytogenetic location: Xp21.1.
Variant type: single nucleotide variant.
Coding change: c.1104T>A on transcript NM_004006.3 (MANE Select); coding-DNA position 1104, T replaced by A.
Protein change: p.Ile368=; no amino-acid change (isoleucine 368 retained).
Molecular consequence: synonymous variant.
Genome position (GRCh38, 1-based): chrX:32,645,009, A>T on the plus strand (T>A on the coding strand, the complement: DMD is on the minus strand). VCF-style: chrX-32645009-A-T. GRCh37 (hg19) VCF-style: chrX-32663126-A-T.
Other names: c.1080T>A, p.Ile360= (NM_000109.4); c.1092T>A, p.Ile364= (NM_004009.3); c.735T>A, p.Ile245= (NM_004010.3).
Identifiers: ClinVar variation 1155262 (VCV001155262.35), dbSNP rs2059694784, ClinGen allele CA515864062.

ClinVar aggregate classification (germline): Likely benign. Review status: criteria provided, multiple submitters, no conflicts (2 of 4 stars). 3 submissions from 3 submitters: Likely benign (3). Last evaluated 2025-01-30.

Conditions:
Cardiovascular phenotype. Identifiers: MedGen CN230736.
Duchenne muscular dystrophy (DMD). Also called: MUSCULAR DYSTROPHY, PSEUDOHYPERTROPHIC PROGRESSIVE, DUCHENNE TYPE; Duchenne Muscular Dystrophy (DMD). Identifiers: Orphanet 98896, MedGen C0013264, MONDO:0010679, OMIM 310200.

Allele frequency attached by ClinVar (database versions not stated): gnomAD exomes below 0.00001; TOPMed 0.00001.
gnomAD v4.1: 3 of 1,211,598 alleles (0.00025%); highest among the groups gnomAD compares: Middle Eastern, 0.023%; no homozygotes.

Submissions (3):

Labcorp Genetics (formerly Invitae), Labcorp
Classification: Likely benign for Duchenne muscular dystrophy. Last evaluated: 2025-01-30. Review status: criteria provided, single submitter. Criteria: Invitae Variant Classification Sherloc (09022015). Collection method: clinical testing. Allele origin: germline.

CeGaT Center for Human Genetics Tuebingen
Classification: Likely benign. Last evaluated: 2022-06-01. Review status: criteria provided, single submitter. Criteria: CeGaT Center For Human Genetics Tuebingen Variant Classification Criteria Version 2. Collection method: clinical testing. Allele origin: germline. Affected: yes. Observed: 1 variant allele.
Comment: DMD: PM2:Supporting, BP4, BP7

Ambry Genetics
Classification: Likely benign for Cardiovascular phenotype. Last evaluated: 2019-11-04. Review status: criteria provided, single submitter. Criteria: Ambry Variant Classification Scheme 2023. Collection method: clinical testing. Allele origin: germline.